The following is an entry in ClinVar:

NM_025233.7(COASY):c.41C>T (p.Pro14Leu)

Genes: COASY (Coenzyme A synthase; plus strand), LOC130060908 (ATAC-STARR-seq lymphoblastoid active region 12207; plus strand). Cytogenetic location: 17q21.2.
Variant type: single nucleotide variant.
Coding change: c.41C>T on transcript NM_025233.7 (MANE Select); coding-DNA position 41, C replaced by T.
Protein change: p.Pro14Leu; replaces proline 14 with leucine.
Molecular consequence: missense variant.
Genome position (GRCh38, 1-based): chr17:42,562,663, C>T. VCF-style: chr17-42562663-C-T. GRCh37 (hg19) VCF-style: chr17-40714681-C-T.
Other names: c.41C>T, p.Pro14Leu (NM_001042529.3); c.128C>T, p.Pro43Leu (NM_001042532.4); short protein forms P14L, P43L.
Identifiers: ClinVar variation 1992543 (VCV001992543.5), dbSNP rs571068316, ClinGen allele CA8577897.

ClinVar aggregate classification (germline): Uncertain significance. Review status: criteria provided, multiple submitters, no conflicts (2 of 4 stars). 2 submissions from 2 submitters: Uncertain significance (2). Last evaluated 2024-04-05.

Conditions:
Neurodegeneration with brain iron accumulation 6 (NBIA6). Also called: COASY protein-associated neurodegeneration. Identifiers: Orphanet 397725, MedGen C4517377, MONDO:0014290, OMIM 615643.

Allele frequency attached by ClinVar (database versions not stated): ExAC 0.00001; gnomAD 0.00001; 1000 Genomes Project 30x 0.00016; 1000 Genomes Project 0.00020.
gnomAD v4.1: 2 of 1,524,176 alleles (0.00013%); highest among the groups gnomAD compares: South Asian, 0.0013%; no homozygotes.

Submissions (2):

Labcorp Genetics (formerly Invitae), Labcorp
Classification: Uncertain significance for Neurodegeneration with brain iron accumulation 6. Last evaluated: 2024-04-05. Review status: criteria provided, single submitter. Criteria: Invitae Variant Classification Sherloc (09022015). Collection method: clinical testing. Allele origin: germline.
Comment: This sequence change replaces proline, which is neutral and non-polar, with leucine, which is neutral and non-polar, at codon 14 of the COASY protein (p.Pro14Leu). This variant is present in population databases (rs571068316, gnomAD 0.007%). This variant has not been reported in the literature in individuals affected with COASY-related conditions. ClinVar contains an entry for this variant (Variation ID: 1992543). Advanced modeling of protein sequence and biophysical properties (such as structural, functional, and spatial information, amino acid conservation, physicochemical variation, residue mobility, and thermodynamic stability) performed at Invitae indicates that this missense variant is not expected to disrupt COASY protein function with a negative predictive value of 80%. In summary, the available evidence is currently insufficient to determine the role of this variant in disease. Therefore, it has been classified as a Variant of Uncertain Significance.

Neuberg Centre For Genomic Medicine, NCGM
Classification: Uncertain significance for Neurodegeneration with brain iron accumulation 6. Last evaluated: 2023-02-14. Review status: criteria provided, single submitter. Criteria: ACMG Guidelines, 2015. Collection method: clinical testing. Allele origin: germline. Inheritance: Autosomal recessive inheritance. Affected: yes.
Comment: The missense variant c.41C>T (p.Pro14Leu) in the COASY gene has not been reported previously as a pathogenic variant nor as a benign variant, to our knowledge. This variant is reported with the allele frequency (0.0009%) in the gnomAD and novel (not in any individuals) in the 1000 genome database. This variant has been reported to the ClinVar database as Uncertain Significance. However, no details are available for independent assessment. The amino acid Proline at position 14 is changed to a Leucine changing protein sequence and it might alter its composition and physico- chemical properties. The variant is predicted as damaging by SIFT. The residue is conserved by GERP++ and PhyloP across 100 vertebrates. For these reasons, this variant has been classified as Uncertain Significance.